The following is an entry in ClinVar:

NM_005883.3(APC2):c.4943G>A (p.Arg1648Gln)

Gene: APC2 (APC regulator of WNT signaling pathway 2; plus strand). Cytogenetic location: 19p13.3.
Variant type: single nucleotide variant.
Coding change: c.4943G>A on transcript NM_005883.3 (MANE Select); coding-DNA position 4943, G replaced by A.
Protein change: p.Arg1648Gln; replaces arginine 1648 with glutamine.
Molecular consequence: missense variant.
Genome position (GRCh38, 1-based): chr19:1,468,244, G>A. VCF-style: chr19-1468244-G-A. GRCh37 (hg19) VCF-style: chr19-1468243-G-A.
Other names: c.4940G>A, p.Arg1647Gln (NM_001351273.1); c.4943G>A (NM_005883.2); short protein forms R1648Q, R1647Q.
Identifiers: ClinVar variation 2200426 (VCV002200426.4), dbSNP rs780627383, ClinGen allele CA9045937.

ClinVar aggregate classification (germline): Uncertain significance. Review status: criteria provided, multiple submitters, no conflicts (2 of 4 stars). 2 submissions from 2 submitters: Uncertain significance (2). Last evaluated 2024-12-19.

Conditions:
Inborn genetic diseases. Identifiers: MedGen C0950123, MeSH D030342.

Allele frequency attached by ClinVar (database versions not stated): gnomAD exomes below 0.00001; gnomAD 0.00003; TOPMed 0.00005.
gnomAD v4.1: 9 of 1,504,834 alleles (0.0006%); highest among the groups gnomAD compares: Admixed American, 0.0065%; no homozygotes.

Submissions (2):

Ambry Genetics
Classification: Uncertain significance for Inborn genetic diseases. Last evaluated: 2024-12-19. Review status: criteria provided, single submitter. Criteria: Ambry Variant Classification Scheme 2023. Collection method: clinical testing. Allele origin: germline.

Labcorp Genetics (formerly Invitae), Labcorp
Classification: Uncertain significance. Last evaluated: 2022-08-22. Review status: criteria provided, single submitter. Criteria: Invitae Variant Classification Sherloc (09022015). Collection method: clinical testing. Allele origin: germline.
Comment: In summary, the available evidence is currently insufficient to determine the role of this variant in disease. Therefore, it has been classified as a Variant of Uncertain Significance. Algorithms developed to predict the effect of missense changes on protein structure and function are either unavailable or do not agree on the potential impact of this missense change (SIFT: "Deleterious"; PolyPhen-2: "Benign"; Align-GVGD: "Class C0"). This variant has not been reported in the literature in individuals affected with APC2-related conditions. This variant is present in population databases (rs780627383, gnomAD 0.1%). This sequence change replaces arginine, which is basic and polar, with glutamine, which is neutral and polar, at codon 1648 of the APC2 protein (p.Arg1648Gln).